The following is an entry in ClinVar:

NM_024589.3(ROGDI):c.578A>C (p.Tyr193Ser)

Gene: ROGDI (rogdi atypical leucine zipper; minus strand). Cytogenetic location: 16p13.3.
Variant type: single nucleotide variant.
Coding change: c.578A>C on transcript NM_024589.3 (MANE Select); coding-DNA position 578, A replaced by C.
Protein change: p.Tyr193Ser; replaces tyrosine 193 with serine.
Molecular consequence: missense variant. On other transcripts: non-coding transcript variant (1).
Genome position (GRCh38, 1-based): chr16:4,798,138, T>G on the plus strand (A>C on the coding strand, the complement: ROGDI is on the minus strand). VCF-style: chr16-4798138-T-G. GRCh37 (hg19) VCF-style: chr16-4848139-T-G.
Other names: short protein forms Y193S.
Identifiers: ClinVar variation 461615 (VCV000461615.8), dbSNP rs80033521, ClinGen allele CA277136264.

ClinVar aggregate classification (germline): Uncertain significance (1 of 4 stars; one submission).

Conditions:
Amelocerebrohypohidrotic syndrome (KTZS). Also called: KOHLSCHUTTER SYNDROME; Kohlschutter's syndrome; EPILEPSY AND YELLOW TEETH; EPILEPSY, DEMENTIA, AND AMELOGENESIS IMPERFECTA. Identifiers: Orphanet 1946, MedGen C0406740, MONDO:0009185, OMIM 226750.

Allele frequency attached by ClinVar (database versions not stated): TOPMed 0.00002; gnomAD 0.00003.
gnomAD v4.1: 14 of 1,613,874 alleles (0.00087%); highest among the groups gnomAD compares: African/African-American, 0.0013%; no homozygotes.

Submission:

Labcorp Genetics (formerly Invitae), Labcorp
Classification: Uncertain significance for Amelocerebrohypohidrotic syndrome. Last evaluated: 2021-08-24. Review status: criteria provided, single submitter. Criteria: Invitae Variant Classification Sherloc (09022015). Collection method: clinical testing. Allele origin: germline.
Comment: This sequence change replaces tyrosine with serine at codon 193 of the ROGDI protein (p.Tyr193Ser). The tyrosine residue is highly conserved and there is a large physicochemical difference between tyrosine and serine. This variant is not present in population databases (ExAC no frequency). This variant has not been reported in the literature in individuals affected with ROGDI-related conditions. Algorithms developed to predict the effect of missense changes on protein structure and function (SIFT, PolyPhen-2, Align-GVGD) all suggest that this variant is likely to be disruptive. In summary, the available evidence is currently insufficient to determine the role of this variant in disease. Therefore, it has been classified as a Variant of Uncertain Significance.